The following is an entry in ClinVar:

ClinVar aggregate classification (germline): Uncertain significance (1 of 4 stars; one submission).

Submission:

GeneDx
Classification: Uncertain significance. Last evaluated: 2023-02-02. Review status: criteria provided, single submitter. Criteria: GeneDx Variant Classification Process June 2021. Collection method: clinical testing. Allele origin: germline. Affected: yes.
Comment: Frameshift variant predicted to result in protein truncation or nonsense mediated decay in a gene or region of a gene for which loss of function is not a well-established mechanism of disease; Has not been previously published as pathogenic or benign to our knowledge; Not observed at significant frequency in large population cohorts (gnomAD)

NM_004972.4(JAK2):c.2508del (p.Phe836fs)

Genes: JAK2 (Janus kinase 2; plus strand), INSL6 (insulin like 6; minus strand). Cytogenetic location: 9p24.1.
Variant type: Deletion.
Coding change: c.2508del on transcript NM_004972.4 (MANE Select); coding-DNA position 2508, one base deleted (T; older notation c.2508delT).
Protein change: p.Phe836fs; shifts the reading frame from phenylalanine 836.
Molecular consequence: frameshift variant. On other transcripts: non-coding transcript variant (2).
Genome position (GRCh38, 1-based): chr9:5,081,798, T deleted; the last of 3 consecutive T bases (chr9:5,081,796-5,081,798); deleting any one gives the same sequence. VCF-style (leftmost placement, unchanged base first): chr9-5081795-CT-C. GRCh37 (hg19) VCF-style: chr9-5081795-CT-C.
Other names: c.2508del, p.Phe836fs (NM_001322194.2, NM_001322195.2, NM_001322196.2); c.1293del, p.Phe431fs (NM_001322198.2, NM_001322199.2); c.2061del, p.Phe687fs (NM_001322204.2); c.2508delT, p.Phe836Leufs (NM_004972.3); short protein forms F431fs, F687fs, F836fs.
Identifiers: ClinVar variation 2574849 (VCV002574849.1), dbSNP rs2489084777, ClinGen allele CA2580616150.